The following is an entry in ClinVar:

ClinVar aggregate classification (germline): Uncertain significance (1 of 4 stars; one submission).

Conditions:
Lethal congenital glycogen storage disease of heart. Also called: GLYCOGEN STORAGE DISEASE OF HEART; PHOSPHORYLASE KINASE DEFICIENCY OF HEART. Identifiers: Orphanet 439854, MedGen C1849813, MONDO:0009867, OMIM 261740.

Allele frequency attached by ClinVar (database versions not stated): TOPMed below 0.00001.
gnomAD v4.1: 3 of 1,610,508 alleles (0.00019%); highest among the groups gnomAD compares: East Asian, 0.0067%; no homozygotes.

Submission:

Labcorp Genetics (formerly Invitae), Labcorp
Classification: Uncertain significance for Lethal congenital glycogen storage disease of heart. Last evaluated: 2023-02-10. Review status: criteria provided, single submitter. Criteria: Invitae Variant Classification Sherloc (09022015). Collection method: clinical testing. Allele origin: germline.
Comment: This sequence change replaces serine, which is neutral and polar, with phenylalanine, which is neutral and non-polar, at codon 15 of the PRKAG2 protein (p.Ser15Phe). This variant is not present in population databases (gnomAD no frequency). This variant has not been reported in the literature in individuals affected with PRKAG2-related conditions. Advanced modeling of protein sequence and biophysical properties (such as structural, functional, and spatial information, amino acid conservation, physicochemical variation, residue mobility, and thermodynamic stability) performed at Invitae indicates that this missense variant is not expected to disrupt PRKAG2 protein function. In summary, the available evidence is currently insufficient to determine the role of this variant in disease. Therefore, it has been classified as a Variant of Uncertain Significance.

NM_016203.4(PRKAG2):c.44C>T (p.Ser15Phe)

Gene: PRKAG2 (protein kinase AMP-activated non-catalytic subunit gamma 2; minus strand). Cytogenetic location: 7q36.1.
Variant type: single nucleotide variant.
Coding change: c.44C>T on transcript NM_016203.4 (MANE Select); coding-DNA position 44, C replaced by T.
Protein change: p.Ser15Phe; replaces serine 15 with phenylalanine.
Molecular consequence: missense variant.
Genome position (GRCh38, 1-based): chr7:151,876,577, G>A on the plus strand (C>T on the coding strand, the complement: PRKAG2 is on the minus strand). VCF-style: chr7-151876577-G-A. GRCh37 (hg19) VCF-style: chr7-151573662-G-A.
Other names: c.44C>T, p.Ser15Phe (NM_001407021.1, NM_001407022.1, NM_001407023.1 and 2 more transcripts); short protein forms S15F.
Identifiers: ClinVar variation 2962839 (VCV002962839.3), dbSNP rs1306017686, ClinGen allele CA370071982.